The following is an entry in ClinVar:

ClinVar aggregate classification (germline): Uncertain significance (1 of 4 stars; one submission).

Conditions:
Cardiovascular phenotype. Identifiers: MedGen CN230736.

Allele frequency attached by ClinVar (database versions not stated): gnomAD exomes below 0.00001; gnomAD 0.00002; TOPMed 0.00003; ESP Exome Variant Server 0.00008.

Submission:

Ambry Genetics
Classification: Uncertain significance for Cardiovascular phenotype. Last evaluated: 2021-02-08. Review status: criteria provided, single submitter. Criteria: Ambry Variant Classification Scheme 2023. Collection method: clinical testing. Allele origin: germline.
Comment: The p.A308T variant (also known as c.922G>A), located in coding exon 1 of the DOLK gene, results from a G to A substitution at nucleotide position 922. The alanine at codon 308 is replaced by threonine, an amino acid with similar properties. This amino acid position is highly conserved in available vertebrate species. In addition, the in silico prediction for this alteration is inconclusive. Since supporting evidence is limited at this time, the clinical significance of this alteration remains unclear.

NM_014908.4(DOLK):c.922G>A (p.Ala308Thr)

Gene: DOLK (dolichol kinase; minus strand). Cytogenetic location: 9q34.11.
Variant type: single nucleotide variant.
Coding change: c.922G>A on transcript NM_014908.4 (MANE Select); coding-DNA position 922, G replaced by A.
Protein change: p.Ala308Thr; replaces alanine 308 with threonine.
Molecular consequence: missense variant.
Genome position (GRCh38, 1-based): chr9:128,946,382, C>T on the plus strand (G>A on the coding strand, the complement: DOLK is on the minus strand). VCF-style: chr9-128946382-C-T. GRCh37 (hg19) VCF-style: chr9-131708661-C-T.
Other names: short protein forms A308T.
Identifiers: ClinVar variation 1766264 (VCV001766264.2), dbSNP rs143854005, ClinGen allele CA200444741.